The following is an entry in ClinVar:

ClinVar aggregate classification (germline): Uncertain significance (1 of 4 stars; one submission).

Submission:

Labcorp Genetics (formerly Invitae), Labcorp
Classification: Uncertain significance. Last evaluated: 2026-01-03. Review status: criteria provided, single submitter. Criteria: Invitae Variant Classification Sherloc (09022015). Collection method: clinical testing. Allele origin: germline.
Comment: This sequence change replaces glycine, which is neutral and non-polar, with arginine, which is basic and polar, at codon 562 of the JAK2 protein (p.Gly562Arg). This variant is not present in population databases (gnomAD no frequency). This variant has not been reported in the literature in individuals affected with JAK2-related conditions. Invitae Evidence Modeling of protein sequence and biophysical properties (such as structural, functional, and spatial information, amino acid conservation, physicochemical variation, residue mobility, and thermodynamic stability) indicates that this missense variant is expected to disrupt JAK2 protein function with a positive predictive value of 80%. In summary, the available evidence is currently insufficient to determine the role of this variant in disease. Therefore, it has been classified as a Variant of Uncertain Significance.

NM_004972.4(JAK2):c.1684G>C (p.Gly562Arg)

Genes: JAK2 (Janus kinase 2; plus strand), INSL6 (insulin like 6; minus strand). Cytogenetic location: 9p24.1.
Variant type: single nucleotide variant.
Coding change: c.1684G>C on transcript NM_004972.4 (MANE Select); coding-DNA position 1684, G replaced by C.
Protein change: p.Gly562Arg; replaces glycine 562 with arginine.
Molecular consequence: missense variant. On other transcripts: non-coding transcript variant (2).
Genome position (GRCh38, 1-based): chr9:5,072,534, G>C. VCF-style: chr9-5072534-G-C. GRCh37 (hg19) VCF-style: chr9-5072534-G-C.
Other names: c.1684G>C, p.Gly562Arg (NM_001322194.2, NM_001322195.2, NM_001322196.2); c.469G>C, p.Gly157Arg (NM_001322198.2, NM_001322199.2); c.1237G>C, p.Gly413Arg (NM_001322204.2); short protein forms G413R, G157R, G562R.
Identifiers: ClinVar variation 4736857 (VCV004736857.1).